The following is an entry in ClinVar:

NM_001292063.2(OTOG):c.3760C>G (p.Leu1254Val)

Gene: OTOG (otogelin; plus strand). Cytogenetic location: 11p15.1.
Variant type: single nucleotide variant.
Coding change: c.3760C>G on transcript NM_001292063.2 (MANE Select); coding-DNA position 3760, C replaced by G.
Protein change: p.Leu1254Val; replaces leucine 1254 with valine.
Molecular consequence: missense variant.
Genome position (GRCh38, 1-based): chr11:17,602,260, C>G. VCF-style: chr11-17602260-C-G. GRCh37 (hg19) VCF-style: chr11-17623807-C-G.
Other names: c.3796C>G, p.Leu1266Val (NM_001277269.2); short protein forms L1266V, L1254V.
Identifiers: ClinVar variation 1956010 (VCV001956010.5), dbSNP rs1416271649, ClinGen allele CA379789641.
Genomic context (GRCh38, chr11:17,602,260, plus strand): 5'-TTCTCTCCAGTGCTAGGTAAGGGCCCCTATCAGCTATCCAGCTTGGCAGCCGGTGGTGCT[C>G]TGGTGGGCATGAAGGCGGTGGGCGATGACATAGTCCTAGTGAGGACAGAGGATGTGGCGC-3'
Protein context (NP_001278992.1, residues 1244-1264): QLSSLAAGGA[Leu1254Val]VGMKAVGDDI

ClinVar aggregate classification (germline): Uncertain significance (1 of 4 stars; one submission).

Allele frequency attached by ClinVar (database versions not stated): gnomAD 0.00001; gnomAD exomes 0.00001; TOPMed 0.00001.
gnomAD v4.1: 13 of 1,550,486 alleles (0.00084%); highest among the groups gnomAD compares: Non-Finnish European, 0.001%; no homozygotes.

Submission:

Labcorp Genetics (formerly Invitae), Labcorp
Classification: Uncertain significance. Last evaluated: 2022-05-25. Review status: criteria provided, single submitter. Criteria: Invitae Variant Classification Sherloc (09022015). Collection method: clinical testing. Allele origin: germline.
Comment: In summary, the available evidence is currently insufficient to determine the role of this variant in disease. Therefore, it has been classified as a Variant of Uncertain Significance. Algorithms developed to predict the effect of missense changes on protein structure and function (SIFT, PolyPhen-2, Align-GVGD) all suggest that this variant is likely to be tolerated. This variant has not been reported in the literature in individuals affected with OTOG-related conditions. This variant is present in population databases (no rsID available, gnomAD 0.002%). This sequence change replaces leucine, which is neutral and non-polar, with valine, which is neutral and non-polar, at codon 1266 of the OTOG protein (p.Leu1266Val).